The following is an entry in ClinVar:

ClinVar aggregate classification (germline): Likely benign (1 of 4 stars; one submission).

gnomAD v4.1: 814 of 1,614,048 alleles (0.05%); highest among the groups gnomAD compares: African/African-American, 0.94%; 6 homozygotes.

Submission:

CeGaT Center for Human Genetics Tuebingen
Classification: Likely benign. Last evaluated: 2025-06-01. Review status: criteria provided, single submitter. Criteria: CeGaT Center For Human Genetics Tuebingen Variant Classification Criteria Version 2. Collection method: clinical testing. Allele origin: germline. Affected: yes. Observed: 2 variant alleles.
Comment: UNC79: BP4, BS2

NM_001395159.1(UNC79):c.5474C>T (p.Ser1825Leu)

Gene: UNC79 (unc-79 subunit of NALCN channel complex; plus strand). Cytogenetic location: 14q32.12.
Variant type: single nucleotide variant.
Coding change: c.5474C>T on transcript NM_001395159.1 (MANE Select); coding-DNA position 5474, C replaced by T.
Protein change: p.Ser1825Leu; replaces serine 1825 with leucine.
Molecular consequence: missense variant.
Genome position (GRCh38, 1-based): chr14:93,622,491, C>T. VCF-style: chr14-93622491-C-T. GRCh37 (hg19) VCF-style: chr14-94088837-C-T.
Other names: c.5408C>T, p.Ser1803Leu (NM_001346218.2); c.4727C>T, p.Ser1576Leu (NM_020818.5); short protein forms S1576L, S1803L, S1825L.
Identifiers: ClinVar variation 3770760 (VCV003770760.13).